The following is an entry in ClinVar:

ClinVar aggregate classification (germline): Benign. Review status: criteria provided, multiple submitters, no conflicts (2 of 4 stars). 3 submissions from 3 submitters: Benign (2). 1 of the submissions does not count toward it. Last evaluated 2026-02-03.

Conditions:
DSCAML1-related disorder. Also called: DSCAML1-related condition.

Allele frequency attached by ClinVar (database versions not stated): gnomAD exomes 0.02505; ExAC 0.02674; ESP Exome Variant Server 0.03271; 1000 Genomes Project 0.03814; 1000 Genomes Project 30x 0.03888.
gnomAD v4.1: 41,762 of 1,612,862 alleles (2.6%); highest among the groups gnomAD compares: African/African-American, 5.3%; 615 homozygotes.

Submissions (3):

Labcorp Genetics (formerly Invitae), Labcorp
Classification: Benign. Last evaluated: 2026-02-03. Review status: criteria provided, single submitter. Criteria: Invitae Variant Classification Sherloc (09022015). Collection method: clinical testing. Allele origin: germline.

Breakthrough Genomics
Classification: Benign. Review status: criteria provided, single submitter. Criteria: ACMG Guidelines, 2015. Collection method: not provided. Allele origin: germline. Inheritance: Unknown mechanism. Affected: yes.

PreventionGenetics, part of Exact Sciences
Classification: Benign for DSCAML1-related condition. Last evaluated: 2020-03-06. Review status: no assertion criteria provided. Collection method: clinical testing. Allele origin: germline. Not counted in ClinVar's aggregate classification.
Comment: This variant is classified as benign based on ACMG/AMP sequence variant interpretation guidelines (Richards et al. 2015 PMID: 25741868, with internal and published modifications).

NM_020693.4(DSCAML1):c.948T>C (p.His316=)

Gene: DSCAML1 (DS cell adhesion molecule like 1; minus strand). Cytogenetic location: 11q23.3.
Variant type: single nucleotide variant.
Coding change: c.948T>C on transcript NM_020693.4 (MANE Select); coding-DNA position 948, T replaced by C.
Protein change: p.His316=; no amino-acid change (histidine 316 retained).
Molecular consequence: synonymous variant.
Genome position (GRCh38, 1-based): chr11:117,521,395, A>G on the plus strand (T>C on the coding strand, the complement: DSCAML1 is on the minus strand). VCF-style: chr11-117521395-A-G. GRCh37 (hg19) VCF-style: chr11-117392110-A-G.
Other names: c.948T>C, p.His316= (NM_001367904.1); c.540T>C, p.His180= (NM_001367905.1); c.1128T>C (NM_020693.3).
Identifiers: ClinVar variation 1620984 (VCV001620984.11), dbSNP rs35503235, ClinGen allele CA6297399.